The following is an entry in ClinVar:

NM_001110556.2(FLNA):c.6019G>A (p.Val2007Met)

Gene: FLNA (filamin A; minus strand). Cytogenetic location: Xq28.
Variant type: single nucleotide variant.
Coding change: c.6019G>A on transcript NM_001110556.2 (MANE Select); coding-DNA position 6019, G replaced by A.
Protein change: p.Val2007Met; replaces valine 2007 with methionine.
Molecular consequence: missense variant.
Genome position (GRCh38, 1-based): chrX:154,353,299, C>T on the plus strand (G>A on the coding strand, the complement: FLNA is on the minus strand). VCF-style: chrX-154353299-C-T. GRCh37 (hg19) VCF-style: chrX-153581667-C-T.
Other names: c.5995G>A, p.Val1999Met (NM_001456.4); short protein forms V1999M, V2007M.
Identifiers: ClinVar variation 1194784 (VCV001194784.11), dbSNP rs200956777, ClinGen allele CA10560187.

ClinVar aggregate classification (germline): Conflicting classifications of pathogenicity. Review status: criteria provided, conflicting classifications (1 of 4 stars). 4 submissions from 4 submitters: Uncertain significance (1); Benign (1); Likely benign (2). Last evaluated 2025-10-06.

Conditions:
Heterotopia, periventricular, X-linked dominant (PVNH1). Also called: PERIVENTRICULAR NODULAR HETEROTOPIA 1; PERIVENTRICULAR NODULAR HETEROTOPIA 4; HETEROTOPIA, PERIVENTRICULAR, 1; X-linked periventricular heterotopia. Identifiers: Orphanet 2149, Orphanet 82004, MedGen C1848213, MONDO:0010233, OMIM 300049.
Melnick-Needles syndrome (MNS). Also called: Melnick-Needles Syndrome (FLNA-MNS); MELNICK-NEEDLES OSTEODYSPLASTY; OSTEODYSPLASTY OF MELNICK AND NEEDLES. Identifiers: Orphanet 2484, MedGen C0025237, MONDO:0010650, OMIM 309350.
Frontometaphyseal dysplasia (FMD1). Identifiers: Orphanet 1826, MedGen C0265293, MONDO:0015942.
Oto-palato-digital syndrome, type II (OPD2). Also called: Otopalatodigital Syndrome, Type II; Otopalatodigital Syndrome Type 2 (FLNA-OPD2); FACIOPALATOOSSEOUS SYNDROME; OPD II SYNDROME. Identifiers: Orphanet 669, Orphanet 90652, MedGen C1844696, MONDO:0010571, OMIM 304120.
Familial thoracic aortic aneurysm and aortic dissection (TAAD). Also called: Thoracic aortic aneurysms and dissections. Identifiers: Orphanet 91387, MedGen C4707243, MONDO:0019625.

Allele frequency attached by ClinVar (database versions not stated): gnomAD 0.00001; TOPMed 0.00002; ExAC 0.00006.
gnomAD v4.1: 7 of 1,210,624 alleles (0.00058%); highest among the groups gnomAD compares: South Asian, 0.0035%; no homozygotes.

Submissions (4):

Labcorp Genetics (formerly Invitae), Labcorp
Classification: Benign for Oto-palato-digital syndrome, type II; Heterotopia, periventricular, X-linked dominant; Frontometaphyseal dysplasia; Melnick-Needles syndrome. Last evaluated: 2025-10-06. Review status: criteria provided, single submitter. Criteria: Invitae Variant Classification Sherloc (09022015). Collection method: clinical testing. Allele origin: germline.

Blueprint Genetics
Classification: Likely benign. Last evaluated: 2023-12-12. Review status: criteria provided, single submitter. Criteria: ACMG Guidelines, 2015. Collection method: clinical testing. Allele origin: germline.

GeneDx
Classification: Likely benign. Last evaluated: 2021-05-11. Review status: criteria provided, single submitter. Criteria: GeneDx Variant Classification Process June 2021. Collection method: clinical testing. Allele origin: germline. Affected: yes.
Comment: In silico analysis supports that this missense variant does not alter protein structure/function; Has not been previously published as pathogenic or benign to our knowledge

Ambry Genetics
Classification: Uncertain significance for Familial thoracic aortic aneurysm and aortic dissection. Last evaluated: 2021-04-23. Review status: criteria provided, single submitter. Criteria: Ambry Variant Classification Scheme 2023. Collection method: clinical testing. Allele origin: germline.
Comment: The p.V1999M variant (also known as c.5995G>A), located in coding exon 35 of the FLNA gene, results from a G to A substitution at nucleotide position 5995. The valine at codon 1999 is replaced by methionine, an amino acid with highly similar properties. Based on data from gnomAD, the A allele has an overall frequency of 0.003% (5/181522) total alleles studied, with 1 hemizygote observed. The highest observed frequency was 0.008% (1/12371) of African/African-American alleles. This amino acid position is well conserved in available vertebrate species. In addition, this alteration is predicted to be tolerated by in silico analysis. Since supporting evidence is limited at this time, the clinical significance of this alteration remains unclear.